The following is an entry in ClinVar:

NM_033100.4(CDHR1):c.1367C>A (p.Ala456Glu)

Gene: CDHR1 (cadherin related family member 1; plus strand). Cytogenetic location: 10q23.1.
Variant type: single nucleotide variant.
Coding change: c.1367C>A on transcript NM_033100.4 (MANE Select); coding-DNA position 1367, C replaced by A.
Protein change: p.Ala456Glu; replaces alanine 456 with glutamic acid.
Molecular consequence: missense variant.
Genome position (GRCh38, 1-based): chr10:84,211,047, C>A. VCF-style: chr10-84211047-C-A. GRCh37 (hg19) VCF-style: chr10-85970803-C-A.
Other names: c.1367C>A, p.Ala456Glu (NM_001171971.3); short protein forms A456E.
Identifiers: ClinVar variation 867148 (VCV000867148.9), dbSNP rs142742994, ClinGen allele CA210386445.

ClinVar aggregate classification (germline): Conflicting classifications of pathogenicity. Review status: criteria provided, conflicting classifications (1 of 4 stars). 4 submissions from 4 submitters: Likely pathogenic (1); Uncertain significance (3). Last evaluated 2026-06-11.

Conditions:
CDHR1-related disorder. Also called: CDHR1-related condition.
Retinitis pigmentosa (RP). Identifiers: Orphanet 791, MedGen C0035334, MeSH D012174, MONDO:0019200, OMIM 268000. Inheritance: Autosomal dominant, autosomal recessive and X linked inheritance.
CDHR1-related disorders.

Allele frequency attached by ClinVar (database versions not stated): TOPMed 0.00002.
gnomAD v4.1: 35 of 1,614,060 alleles (0.0022%); highest among the groups gnomAD compares: Non-Finnish European, 0.0029%; no homozygotes.

Submissions (4):

PreventionGenetics, part of Exact Sciences
Classification: Uncertain significance for CDHR1-related condition. Last evaluated: 2026-06-11. Review status: criteria provided, single submitter. Criteria: ACMG Guidelines, 2015. Collection method: clinical testing. Allele origin: germline.
Comment: The CDHR1 c.1367C>A variant is predicted to result in the amino acid substitution p.Ala456Glu. This variant has been reported along with a causative CDHR1 variant in an individual with retinal disease (Table S1, Lin et al. 2024. PubMed ID: 38219857). This variant is reported in 0.0015% of alleles in individuals of European (Non-Finnish) descent in gnomAD. At this time, the clinical significance of this variant is uncertain due to the absence of conclusive functional and genetic evidence.

Blueprint Genetics
Classification: Likely pathogenic for CDHR1-related disorders. Last evaluated: 2024-07-04. Review status: criteria provided, single submitter. Criteria: ACMG Guidelines, 2015. Collection method: clinical testing. Allele origin: germline. Affected: yes. Observed: 3 variant alleles.

Labcorp Genetics (formerly Invitae), Labcorp
Classification: Uncertain significance. Last evaluated: 2023-08-07. Review status: criteria provided, single submitter. Criteria: Invitae Variant Classification Sherloc (09022015). Collection method: clinical testing. Allele origin: germline.
Comment: In summary, the available evidence is currently insufficient to determine the role of this variant in disease. Therefore, it has been classified as a Variant of Uncertain Significance. Advanced modeling of protein sequence and biophysical properties (such as structural, functional, and spatial information, amino acid conservation, physicochemical variation, residue mobility, and thermodynamic stability) has been performed at Invitae for this missense variant, however the output from this modeling did not meet the statistical confidence thresholds required to predict the impact of this variant on CDHR1 protein function. ClinVar contains an entry for this variant (Variation ID: 867148). This missense change has been observed in individual(s) with retinal dystrophy (Invitae). In at least one individual the data is consistent with being in trans (on the opposite chromosome) from a pathogenic variant. This variant is present in population databases (rs142742994, gnomAD 0.002%). This sequence change replaces alanine, which is neutral and non-polar, with glutamic acid, which is acidic and polar, at codon 456 of the CDHR1 protein (p.Ala456Glu).

INSERM U1051, Institut des Neurosciences de Montpellier
Classification: Uncertain significance for Retinitis pigmentosa. Last evaluated: 2020-06-24. Review status: criteria provided, single submitter. Criteria: ACMG Guidelines, 2015. Collection method: research. Allele origin: inherited. Affected: yes.